The following is an entry in ClinVar:

ClinVar aggregate classification (germline): Uncertain significance (1 of 4 stars; one submission).

Allele frequency attached by ClinVar (database versions not stated): gnomAD 0.00005; ExAC 0.00006; TOPMed 0.00006.

Submission:

Labcorp Genetics (formerly Invitae), Labcorp
Classification: Uncertain significance. Last evaluated: 2025-03-10. Review status: criteria provided, single submitter. Criteria: Invitae Variant Classification Sherloc (09022015). Collection method: clinical testing. Allele origin: germline.
Comment: This sequence change replaces arginine, which is basic and polar, with tryptophan, which is neutral and slightly polar, at codon 50 of the OR2W3 protein (p.Arg50Trp). This variant is present in population databases (rs780966370, gnomAD 0.01%). This variant has not been reported in the literature in individuals affected with OR2W3-related conditions. ClinVar contains an entry for this variant (Variation ID: 2198157). An algorithm developed to predict the effect of missense changes on protein structure and function outputs the following: PolyPhen-2: "Benign". The tryptophan amino acid residue is found in multiple mammalian species, which suggests that this missense change does not adversely affect protein function. In summary, the available evidence is currently insufficient to determine the role of this variant in disease. Therefore, it has been classified as a Variant of Uncertain Significance.

NM_001001957.2(OR2W3):c.148C>T (p.Arg50Trp)

Gene: OR2W3 (olfactory receptor family 2 subfamily W member 3; plus strand). Cytogenetic location: 1q44.
Variant type: single nucleotide variant.
Coding change: c.148C>T on transcript NM_001001957.2 (MANE Select); coding-DNA position 148, C replaced by T.
Protein change: p.Arg50Trp; replaces arginine 50 with tryptophan.
Molecular consequence: missense variant.
Genome position (GRCh38, 1-based): chr1:247,895,734, C>T. VCF-style: chr1-247895734-C-T. GRCh37 (hg19) VCF-style: chr1-248059036-C-T.
Other names: short protein forms R50W.
Identifiers: ClinVar variation 2198157 (VCV002198157.4), dbSNP rs780966370, ClinGen allele CA1498519.